The following is an entry in ClinVar:

ClinVar aggregate classification (germline): Pathogenic. Review status: reviewed by expert panel (3 of 4 stars). 9 submissions from 9 submitters: Pathogenic (1). 8 of the submissions do not count toward it. Last evaluated 2026-09-21.

Conditions:
BRCA2-related cancer predisposition. Identifiers: MedGen CN377758, MONDO:0700269.
Hereditary cancer-predisposing syndrome. Also called: Tumor predisposition; Hereditary neoplastic syndrome; Neoplastic Syndromes, Hereditary; Hereditary Cancer Syndrome. Identifiers: Orphanet 140162, MedGen C0027672, MeSH D009386, MONDO:0015356.
Hereditary breast ovarian cancer syndrome. Also called: Breast and ovarian cancer; Hereditary breast and ovarian cancer syndrome; Hereditary breast and ovarian cancer syndrome (HBOC); Hereditary breast and ovarian cancer; Hereditary breast and/or ovarian cancer syndrome; BRCA1- and BRCA2-Associated Hereditary Breast and Ovarian Cancer. Identifiers: Orphanet 145, MedGen C0677776, MeSH D061325, MONDO:0003582. Disease mechanism: loss of function.
Breast-ovarian cancer, familial, susceptibility to, 2 (BROVCA2). Also called: BRCA2 Hereditary Breast and Ovarian Cancer. Identifiers: Orphanet 145, MedGen C2675520, MONDO:0012933, OMIM 612555. Disease mechanism: loss of function.

Submissions (9):

ClinGen ENIGMA BRCA1 and BRCA2 Variant Curation Expert Panel, ClinGen
Classification: Pathogenic for BRCA2-related cancer predisposition. Last evaluated: 2026-09-21. Review status: reviewed by expert panel. Criteria: CSpec BRCA1/2ACMG Rules Specifications V1.2. Collection method: curation. Allele origin: germline. Inheritance: Autosomal dominant inheritance.
Comment: The c.7976+5G>T variant is an intronic variant occurring in intron 17 of the BRCA2 gene. This variant is absent from gnomAD v4.1 (read depth ≥25x in >90% samples, PM2_Supporting met). This variant is reported to result in aberrant mRNA splicing. RT-PCRseq demonstrated that the variant impacts splicing by exon skipping and multiple exon skipping. The percent of aberrant transcripts produced was 50-60% in-frame E17 skipping and 15-25% out-of-frame E17_18 skipping, using a non-allele specific quantitative assessment with sequence analysis (Ambry internal data). The VCEP estimate no full-length transcript is produced by the variant allele. A mini-gene assay detected in-frame E17 skipping as the only aberrant transcript (PMID: 29969168). Testing of patient material showed that a variety of predicted non-functional transcripts as well as less than 5% full length transcript are produced by the variant allele (PMID: 29969168). Appropriate code strength determined by comparison of results to PVS1 decision tree: PVS1 (RNA). This BRCA2 intronic variant is located outside of the native donor and acceptor 1,2 splice sites, and has a SpliceAI score of 0.89, predicting an impact on splicing (score threshold ≥0.2) (PP3 not applied because a PVS1 (RNA) code is met). Intronic variant, functional data considered only from assays that measure effect via mRNA and protein. Reported by two calibrated studies with discordant results. Functional effect similar to benign control variants (PMID:39779848) and to pathogenic control variants (PMID:39779857) (PS3 and BS3 not met). Multifactorial likelihood ratio analysis using clinically calibrated data produced a combined LR for this variant of 11.85 (based on Cosegregation LR=3.49; Pathology LR=3.396), within the thresholds for moderate evidence towards pathogenicity (LR ≥4.3 & <18.7) (PP4_Moderate met; PMID: 29969168). In summary, this variant meets the criteria to be classified as a Pathogenic variant for BRCA2-related cancer predisposition based on the ACMG/AMP criteria applied as specified by the ENIGMA BRCA1/2 VCEP (v1.2) (PM2_Supporting, PVS1 (RNA), PP4_Moderate).

Dasa
Classification: Pathogenic for Breast-ovarian cancer, familial, susceptibility to, 2. Last evaluated: 2025-12-01. Review status: criteria provided, single submitter. Criteria: DASA Assertion Criteria. Collection method: clinical testing. Allele origin: germline. Not counted in ClinVar's aggregate classification.
Comment: NM_000059.4(BRCA2):c.7976+5G>T introduces a premature termination codon predicted to result in loss of normal protein function. Loss-of-function is an established mechanism of disease for this gene. This variant results in the same amino acid change as a previously established pathogenic variant. Functional evidence supports a deleterious effect on the gene or gene product (PMID: 29969168; PMID: 31191615; PMID: 15695382; PMID: 18451181). This variant has been recurrently observed in individuals with Breast-ovarian cancer, familial, susceptibility to, 2 (PMID: 29969168; PMID: 31191615; PMID: 15695382; PMID: 18451181). Multiple computational predictions support a deleterious effect on the gene or gene product. The variant is present at low frequency in population datasets. Based on the available data, this variant is classified as pathogenic.

Labcorp Genetics (formerly Invitae), Labcorp
Classification: Pathogenic for Hereditary breast ovarian cancer syndrome. Last evaluated: 2025-01-12. Review status: criteria provided, single submitter. Criteria: Invitae Variant Classification Sherloc (09022015). Collection method: clinical testing. Allele origin: germline. Not counted in ClinVar's aggregate classification.
Comment: This sequence change falls in intron 17 of the BRCA2 gene. It does not directly change the encoded amino acid sequence of the BRCA2 protein. RNA analysis indicates that this variant induces altered splicing and likely results in a shortened protein product. This variant is not present in population databases (gnomAD no frequency). This variant has been observed in individual(s) with breast and/or ovarian cancer (PMID: 29969168). It has also been observed to segregate with disease in related individuals. ClinVar contains an entry for this variant (Variation ID: 462463). Variants that disrupt the consensus splice site are a relatively common cause of aberrant splicing (PMID: 17576681, 9536098). Studies have shown that this variant results in skipping of exon 17, but is expected to preserve the integrity of the reading-frame (PMID: 29969168). This variant disrupts the p.His2623 amino acid residue in BRCA2. Other variant(s) that disrupt this residue have been determined to be pathogenic (PMID: 26023681, 29394989, 31409081, 32444794). This suggests that this residue is clinically significant, and that variants that disrupt this residue are likely to be disease-causing. For these reasons, this variant has been classified as Pathogenic.

Quest Diagnostics Nichols Institute San Juan Capistrano
Classification: Likely pathogenic. Last evaluated: 2024-05-14. Review status: criteria provided, single submitter. Criteria: Quest Diagnostics criteria. Collection method: clinical testing. Allele origin: unknown. Not counted in ClinVar's aggregate classification.
Comment: The BRCA2 c.7976+5G>T variant has been reported in the published literature in individuals with breast and/or ovarian cancer (PMID: 29969168 (2018)). Experimental studies are conflicting regarding the variant’s effect on splicing. One study shows the variant allele produces the same transcript as the wild-type allele (PMID: 24123850 (2014)), while other studies show the major splicing outcome produced is the skipping of exon 17 (PMIDs: 29969168 (2018) and 31191615 (2019)). This variant has not been reported in large, multi-ethnic general populations (Genome Aggregation Database). Analysis of this variant using software algorithms for the prediction of the effect of nucleotide changes on splicing yielded predictions that this variant does not affect BRCA2 mRNA splicing. Based on the available information, this variant is classified as likely pathogenic.

Hereditary Cancer Laboratory, Hospital Universitario 12 de Octubre
Classification: Likely pathogenic for Hereditary cancer-predisposing syndrome. Last evaluated: 2024-05-07. Review status: criteria provided, single submitter. Criteria: ACMG Guidelines, 2015. Collection method: clinical testing. Allele origin: germline. Not counted in ClinVar's aggregate classification.
Comment: PS3+PM2

Ambry Genetics
Classification: Likely pathogenic for Hereditary cancer-predisposing syndrome. Last evaluated: 2023-10-25. Review status: criteria provided, single submitter. Criteria: Ambry Variant Classification Scheme 2023. Collection method: clinical testing. Allele origin: germline. Not counted in ClinVar's aggregate classification.
Comment: The c.7976+5G>T intronic variant results from a G to T substitution 5 nucleotides after coding exon 16 in the BRCA2 gene. This variant segregated with breast cancer in three families (Montalban G et al. Hum. Mutat., 2018 Sep;39:1155-1160; Ambry internal data), and RNA analyses on several probands demonstrated that it results in skipping of coding exon 16 (also referred to as exon 17), which is located in a domain that is important for protein function (Ambry internal data; Montalban G et al. Hum. Mutat., 2018 Sep;39:1155-1160). This nucleotide position is well conserved in available vertebrate species. In silico splice site analysis predicts that this alteration will weaken the native splice donor site. Based on the majority of available evidence to date, this variant is likely to be pathogenic.

Color Diagnostics, LLC DBA Color Health
Classification: Pathogenic for Hereditary cancer-predisposing syndrome. Last evaluated: 2021-01-18. Review status: criteria provided, single submitter. Criteria: ACMG Guidelines, 2015. Collection method: clinical testing. Allele origin: germline. Not counted in ClinVar's aggregate classification.
Comment: This variant causes a G to T nucleotide substitution at the +5 position of intron 17 of the BRCA2 gene. This variant is also known as IVS17+5G>T in the literature. Functional RNA studies have shown that this variant causes in-frame skipping of exon 17 (PMID: 29969168, 31191615) resulting in a non-functional protein (PMID: 15695382, 18451181). This variant has been reported in 5 individuals who were affected with breast and/or ovarian cancer from 3 families (PMID: 29969168). This variant has not been identified in the general population by the Genome Aggregation Database (gnomAD). Loss of BRCA2 function is a known mechanism of disease. Based on the available evidence, this variant is classified as Pathogenic.

Molecular Oncology, Hospital Universitario Central de Asturias (HUCA)
Classification: Pathogenic for Breast-ovarian cancer, familial, susceptibility to, 2. Last evaluated: 2021-05-24. Review status: no assertion criteria provided. Collection method: case-control. Allele origin: germline. Affected: yes. Not counted in ClinVar's aggregate classification.

Hereditary Cancer Genetics group, Vall d'Hebron Institute of Oncology
Classification: Pathogenic for Hereditary breast and ovarian cancer syndrome. Last evaluated: 2019-03-01. Review status: no assertion criteria provided. Collection method: research. Allele origin: germline. Affected: yes. Not counted in ClinVar's aggregate classification.

Literature cited by the submitters: PubMed 29969168 (cited by 5 submitters); PubMed 31191615 (cited by Dasa and Quest Diagnostics Nichols Institute San Juan Capistrano); PubMed 15695382 (cited by Dasa); PubMed 18451181 (cited by Dasa); PubMed 17576681 (cited by Labcorp Genetics (formerly Invitae), Labcorp); PubMed 9536098 (cited by Labcorp Genetics (formerly Invitae), Labcorp); PubMed 26023681 (cited by Labcorp Genetics (formerly Invitae), Labcorp); PubMed 29394989 (cited by Labcorp Genetics (formerly Invitae), Labcorp); PubMed 31409081 (cited by Labcorp Genetics (formerly Invitae), Labcorp); PubMed 32444794 (cited by Labcorp Genetics (formerly Invitae), Labcorp); PubMed 24123850 (cited by Quest Diagnostics Nichols Institute San Juan Capistrano and Ambry Genetics); PubMed 21638052 (cited by Ambry Genetics); PubMed 38922859 (cited by Molecular Oncology, Hospital Universitario Central de Asturias (HUCA)); PubMed 30472649 (cited by Hereditary Cancer Genetics group, Vall d'Hebron Institute of Oncology).

NM_000059.4(BRCA2):c.7976+5G>T

Gene: BRCA2 (BRCA2 DNA repair associated; plus strand). Cytogenetic location: 13q13.1.
Variant type: single nucleotide variant.
Coding change: c.7976+5G>T on transcript NM_000059.4 (MANE Select); 5 bases into the intron after coding-DNA position 7976, G replaced by T.
Molecular consequence: intron variant.
Genome position (GRCh38, 1-based): chr13:32,362,698, G>T. VCF-style: chr13-32362698-G-T. GRCh37 (hg19) VCF-style: chr13-32936835-G-T.
Identifiers: ClinVar variation 462463 (VCV000462463.30), dbSNP rs786201180, ClinGen allele CA658656488.